The following is an entry in ClinVar:

NM_001042492.3(NF1):c.7561delinsCC (p.Ser2521fs)

Gene: NF1 (neurofibromin 1; plus strand). Cytogenetic location: 17q11.2.
Variant type: Indel.
Coding change: c.7561delinsCC on transcript NM_001042492.3 (MANE Select); coding-DNA position 7561, T replaced by CC.
Protein change: p.Ser2521fs; shifts the reading frame from serine 2521.
Molecular consequence: frameshift variant.
Genome position (GRCh38, 1-based): chr17:31,352,360, T replaced by CC. VCF-style: chr17-31352360-T-CC. GRCh37 (hg19) VCF-style: chr17-29679378-T-CC.
Other names: c.7498delTinsCC (NM_000267.3); c.7498delTinsCC, p.Ser2500Profs (NM_000267.4); short protein forms S2521fs, S2500fs.
Identifiers: ClinVar variation 1759176 (VCV001759176.2), dbSNP rs2508811953, ClinGen allele CA2580093420.

ClinVar aggregate classification (germline): Pathogenic (1 of 4 stars; one submission).

Conditions:
Hereditary cancer-predisposing syndrome. Also called: Neoplastic Syndromes, Hereditary; Tumor predisposition; Hereditary Cancer Syndrome; Hereditary neoplastic syndrome. Identifiers: Orphanet 140162, MedGen C0027672, MeSH D009386, MONDO:0015356.
Cardiovascular phenotype. Identifiers: MedGen CN230736.

Submission:

Ambry Genetics
Classification: Pathogenic for Cardiovascular phenotype; Hereditary cancer-predisposing syndrome. Last evaluated: 2020-06-25. Review status: criteria provided, single submitter. Criteria: Ambry Variant Classification Scheme 2023. Collection method: clinical testing. Allele origin: germline.
Comment: The c.7498delTinsCC pathogenic mutation, located in coding exon 50 of the NF1 gene, results from the deletion of one nucleotide and insertion of two nucleotides causing a translational frameshift with a predicted alternate stop codon (p.S2500Pfs*15). This alteration is expected to result in loss of function by premature protein truncation or nonsense-mediated mRNA decay. As such, this alteration is interpreted as a disease-causing mutation.